The following is an entry in ClinVar:

ClinVar aggregate classification (germline): Uncertain significance (1 of 4 stars; one submission).

Submission:

Labcorp Genetics (formerly Invitae), Labcorp
Classification: Uncertain significance. Last evaluated: 2023-02-27. Review status: criteria provided, single submitter. Criteria: Invitae Variant Classification Sherloc (09022015). Collection method: clinical testing. Allele origin: germline.
Comment: In summary, the available evidence is currently insufficient to determine the role of this variant in disease. Therefore, it has been classified as a Variant of Uncertain Significance. This sequence change replaces cysteine, which is neutral and slightly polar, with phenylalanine, which is neutral and non-polar, at codon 484 of the COMP protein (p.Cys484Phe). This variant is not present in population databases (gnomAD no frequency). This missense change has been observed in individual(s) with pseudoachondroplasia (Invitae). Advanced modeling of protein sequence and biophysical properties (such as structural, functional, and spatial information, amino acid conservation, physicochemical variation, residue mobility, and thermodynamic stability) performed at Invitae indicates that this missense variant is expected to disrupt COMP protein function. This variant disrupts the p.Cys484 amino acid residue in COMP. Other variant(s) that disrupt this residue have been observed in individuals with COMP-related conditions (PMID: 12483304, 24070816), which suggests that this may be a clinically significant amino acid residue.

Literature cited by the submitters: PubMed 12483304; PubMed 24070816.

NM_000095.3(COMP):c.1451G>T (p.Cys484Phe)

Gene: COMP (cartilage oligomeric matrix protein; minus strand). Cytogenetic location: 19p13.11.
Variant type: single nucleotide variant.
Coding change: c.1451G>T on transcript NM_000095.3 (MANE Select); coding-DNA position 1451, G replaced by T.
Protein change: p.Cys484Phe; replaces cysteine 484 with phenylalanine.
Molecular consequence: missense variant.
Genome position (GRCh38, 1-based): chr19:18,786,003, C>A on the plus strand (G>T on the coding strand, the complement: COMP is on the minus strand). VCF-style: chr19-18786003-C-A. GRCh37 (hg19) VCF-style: chr19-18896813-C-A.
Other names: short protein forms C484F.
Identifiers: ClinVar variation 2841386 (VCV002841386.3), dbSNP rs2512847460, ClinGen allele CA404884293.
Genomic context (GRCh38, chr19:18,786,003, plus strand): 5'-GCAGGCCCCGCCCCCGCCGTACTGTCCGCGTCCTCCTGGCCGGGGTTAGGCACCAGGCGG[C>A]AGTTGTCCCGACTGTCAGGGACTCCGTCATTGTCGTCGTCGTCGTCGCAGGCATCACCCT-3'
Protein context (NP_000086.2, residues 474-494): NDGVPDSRDN[Cys484Phe]RLVPNPGQED